The following is an entry in ClinVar:

NM_017780.4(CHD7):c.6694A>G (p.Ile2232Val)

Gene: CHD7 (chromodomain helicase DNA binding protein 7; plus strand). Cytogenetic location: 8q12.2.
Variant type: single nucleotide variant.
Coding change: c.6694A>G on transcript NM_017780.4 (MANE Select); coding-DNA position 6694, A replaced by G.
Protein change: p.Ile2232Val; replaces isoleucine 2232 with valine.
Molecular consequence: missense variant. On other transcripts: intron variant (1).
Genome position (GRCh38, 1-based): chr8:60,853,419, A>G. VCF-style: chr8-60853419-A-G. GRCh37 (hg19) VCF-style: chr8-61765978-A-G.
Other names: c.1717-8810A>G (NM_001316690.1); short protein forms I2232V.
Identifiers: ClinVar variation 666810 (VCV000666810.17), dbSNP rs1329751221, ClinGen allele CA371326119.
Genomic context (GRCh38, chr8:60,853,419, plus strand): 5'-AGCTCTGTGAAAAATGAACTGAAAGGTGTTGAGGTCGGCGCAGACACTGGGTCCAAATCT[A>G]TTTCAGAGAAAGGTTCCGAAGAGGATGAAGAGGAAAAGCTGGAGGATGACGATAAGTCGG-3'
Protein context (NP_060250.2, residues 2222-2242): EVGADTGSKS[Ile2232Val]SEKGSEEDEE

ClinVar aggregate classification (germline): Conflicting classifications of pathogenicity. Review status: criteria provided, conflicting classifications (1 of 4 stars). 4 submissions from 4 submitters: Uncertain significance (3); Benign (1). Last evaluated 2025-11-24.

Conditions:
CHARGE syndrome (CHARGE). Also called: Coloboma, heart anomaly, choanal atresia, retardation, genital and ear anomalies; CHARGE association; Hall-Hittner syndrome; Hittner Hirsch Kreh syndrome; CHARGE ASSOCIATION--COLOBOMA, HEART ANOMALY, CHOANAL ATRESIA, RETARDATION, GENITAL AND EAR ANOMALIES. Identifiers: Orphanet 138, MedGen C0265354, MONDO:0008965.
Hypogonadotropic hypogonadism 5 with or without anosmia (KAL5). Also called: HYPOGONADOTROPIC HYPOGONADISM 5 WITH ANOSMIA; HYPOGONADOTROPHIC HYPOGONADISM 5 WITHOUT ANOSMIA; CHD7-Related GnRH Deficiency (Kallmann Syndrome 5). Identifiers: Orphanet 478, MedGen C3552553, MONDO:0012880, OMIM 612370. Disease mechanism: loss of function.
CHD7-related CHARGE syndrome. Identifiers: MedGen CN380413, MONDO:1010178, OMIM 214800.

Allele frequency attached by ClinVar (database versions not stated): gnomAD exomes 0.00002; TOPMed 0.00003; gnomAD 0.00004.
gnomAD v4.1: 30 of 1,523,306 alleles (0.002%); highest among the groups gnomAD compares: Admixed American, 0.025%; no homozygotes.

Submissions (4):

Labcorp Genetics (formerly Invitae), Labcorp
Classification: Benign for CHARGE syndrome. Last evaluated: 2025-11-24. Review status: criteria provided, single submitter. Criteria: Invitae Variant Classification Sherloc (09022015). Collection method: clinical testing. Allele origin: germline.

Fulgent Genetics
Classification: Uncertain significance for CHD7-related CHARGE syndrome; Hypogonadotropic hypogonadism 5 with or without anosmia. Last evaluated: 2022-04-30. Review status: criteria provided, single submitter. Criteria: ACMG Guidelines, 2015. Collection method: clinical testing. Allele origin: unknown.

Laboratory for Molecular Medicine, Mass General Brigham Personalized Medicine
Classification: Uncertain significance. Last evaluated: 2018-10-31. Review status: criteria provided, single submitter. Criteria: LMM Criteria. Collection method: clinical testing. Allele origin: germline. Observed: 1 variant allele.
Comment: Variant classified as Uncertain Significance - Favor Benign. The p.Ile2232Val va riant in CHD7 has been previously reported in 1 individual with isolated gonado tropin-releasing hormone deficiency (Balasubramanian 2014), and it has also been identified in 0.018% (4/21382) of Latino chromosomes by gnomAD. The isoleucine at position 2232 is not conserved through spe cies with over 10 mammals carrying a valine (Val) at this position. However, an in vivo rescue study performed in zebrafish suggested that this variant may have a partial loss of function impact. However, this assay may not accurately repre sent biological function. In summary, while the clinical significance of this va riant is uncertain, the conservation data suggest that it is more likely to be b enign. BP4_Strong, PS3_Supporting.

Juno Genomics, Hangzhou Juno Genomics, Inc
Classification: Uncertain significance for CHD7-related CHARGE syndrome; Hypogonadotropic hypogonadism 5 with or without anosmia. Review status: criteria provided, single submitter. Criteria: ACMG Guidelines, 2015. Collection method: clinical testing. Allele origin: germline.
Comment: Absent from controls (or at extremely low frequency if recessive) in Genome Aggregation Database.;Multiple lines of computational evidence support a deleterious effect on the gene or gene product.;Missense variant in a gene that has a low rate of benign missense variation.;Patient's phenotype or family history is highly specific for a disease with a single genetic etiology.

Literature cited by the submitters: PubMed 25472840 (cited by Laboratory for Molecular Medicine, Mass General Brigham Personalized Medicine).